The following is an entry in ClinVar:

NM_000377.3(WAS):c.360+6T>C

Gene: WAS (WASP actin nucleation promoting factor; plus strand). Cytogenetic location: Xp11.23.
Variant type: single nucleotide variant.
Coding change: c.360+6T>C on transcript NM_000377.3 (MANE Select); 6 bases into the intron after coding-DNA position 360, T replaced by C.
Molecular consequence: intron variant.
Genome position (GRCh38, 1-based): chrX:48,685,639, T>C. VCF-style: chrX-48685639-T-C. GRCh37 (hg19) VCF-style: chrX-48544028-T-C.
Identifiers: ClinVar variation 2067138 (VCV002067138.6), dbSNP rs782549811, ClinGen allele CA329100721.

ClinVar aggregate classification (germline): Uncertain significance. Review status: criteria provided, multiple submitters, no conflicts (2 of 4 stars). 3 submissions from 3 submitters: Uncertain significance (3). Last evaluated 2024-07-27.

Conditions:
X-linked severe congenital neutropenia (SCNX). Identifiers: Orphanet 86788, MedGen C1845987, MONDO:0010294, OMIM 300299.
Thrombocytopenia 1. Also called: X-linked thrombocytopenia with normal platelets; X-Linked Thrombocytopenia (XLT); THROMBOCYTOPENIA, X-LINKED, 1. Identifiers: Orphanet 268322, Orphanet 852, MedGen C1839163, MONDO:0010743, OMIM 313900.
Wiskott-Aldrich syndrome (WAS). Also called: ALDRICH SYNDROME; IMMUNODEFICIENCY 2; WISKOTT-ALDRICH SYNDROME 1; Wiskott-aldrich syndrome, somatic. Identifiers: Orphanet 906, MedGen C0043194, MONDO:0010518, OMIM 301000.

Allele frequency attached by ClinVar (database versions not stated): gnomAD 0.00001; gnomAD exomes 0.00001; TOPMed 0.00001.
gnomAD v4.1: 9 of 1,191,158 alleles (0.00076%); highest among the groups gnomAD compares: African/African-American, 0.0018%; no homozygotes.

Submissions (3):

Labcorp Genetics (formerly Invitae), Labcorp
Classification: Uncertain significance for Wiskott-Aldrich syndrome; X-linked severe congenital neutropenia; Thrombocytopenia 1. Last evaluated: 2024-07-27. Review status: criteria provided, single submitter. Criteria: Invitae Variant Classification Sherloc (09022015). Collection method: clinical testing. Allele origin: germline.
Comment: This sequence change falls in intron 3 of the WAS gene. It does not directly change the encoded amino acid sequence of the WAS protein. It affects a nucleotide within the consensus splice site. The frequency data for this variant in the population databases is considered unreliable, as metrics indicate poor data quality at this position in the gnomAD database. This variant has not been reported in the literature in individuals affected with WAS-related conditions. ClinVar contains an entry for this variant (Variation ID: 2067138). Variants that disrupt the consensus splice site are a relatively common cause of aberrant splicing (PMID: 17576681, 9536098). Algorithms developed to predict the effect of sequence changes on RNA splicing suggest that this variant may disrupt the consensus splice site. In summary, the available evidence is currently insufficient to determine the role of this variant in disease. Therefore, it has been classified as a Variant of Uncertain Significance.

Fulgent Genetics
Classification: Uncertain significance for X-linked severe congenital neutropenia; Wiskott-Aldrich syndrome; Thrombocytopenia 1. Last evaluated: 2024-04-01. Review status: criteria provided, single submitter. Criteria: ACMG Guidelines, 2015. Collection method: clinical testing. Allele origin: germline.

Blueprint Genetics
Classification: Uncertain significance. Last evaluated: 2019-07-12. Review status: criteria provided, single submitter. Criteria: ACMG Guidelines, 2015. Collection method: clinical testing. Allele origin: germline.

Literature cited by the submitters: PubMed 17576681 (cited by Labcorp Genetics (formerly Invitae), Labcorp); PubMed 9536098 (cited by Labcorp Genetics (formerly Invitae), Labcorp).